The following is an entry in ClinVar:

NM_000138.5(FBN1):c.5741G>A (p.Cys1914Tyr)

Gene: FBN1 (fibrillin 1; minus strand). Cytogenetic location: 15q21.1.
Variant type: single nucleotide variant.
Coding change: c.5741G>A on transcript NM_000138.5 (MANE Select); coding-DNA position 5741, G replaced by A.
Protein change: p.Cys1914Tyr; replaces cysteine 1914 with tyrosine.
Molecular consequence: missense variant.
Genome position (GRCh38, 1-based): chr15:48,446,753, C>T on the plus strand (G>A on the coding strand, the complement: FBN1 is on the minus strand). VCF-style: chr15-48446753-C-T. GRCh37 (hg19) VCF-style: chr15-48738950-C-T.
Other names: c.5741G>A, p.Cys1914Tyr (NM_001406716.1); short protein forms C1914Y.
Identifiers: ClinVar variation 1712343 (VCV001712343.3), dbSNP rs1555395827, ClinGen allele CA392341202.
Genomic context (GRCh38, chr15:48,446,753, plus strand): 5'-TTTGCACACGCACCTATACAGTCATTGTTGTGAGAAAGGATGAAACCATGATTGCAGCGG[C>T]AGTTGAAGGAACCAATTGTGTTCCGGCAAGTTCCATTCCCACAGGCATCTCTTTCACATT-3'
Protein context (NP_000129.3, residues 1904-1924): TCRNTIGSFN[Cys1914Tyr]RCNHGFILSH

ClinVar aggregate classification (germline): Likely pathogenic. Review status: criteria provided, multiple submitters, no conflicts (2 of 4 stars). 2 submissions from 2 submitters: Likely pathogenic (2). Last evaluated 2022-10-04.

Conditions:
Marfan syndrome (MFS). Also called: Marfan's syndrome; Marfan syndrome, classic; MARFAN SYNDROME, TYPE I; Marfan syndrome type 1; FBN1-Related Marfan Syndrome. Identifiers: Orphanet 284963, Orphanet 558, MedGen C0024796, MONDO:0007947, OMIM 154700.
Familial thoracic aortic aneurysm and aortic dissection (TAAD). Also called: Thoracic aortic aneurysms and dissections. Identifiers: Orphanet 91387, MedGen C4707243, MONDO:0019625.

Submissions (2):

Institute of Human Genetics, University of Leipzig Medical Center
Classification: Likely pathogenic for Marfan syndrome. Last evaluated: 2022-10-04. Review status: criteria provided, single submitter. Criteria: ACMG Guidelines, 2015. Collection method: clinical testing. Allele origin: unknown. Affected: yes.
Comment: _x000D_ Criteria applied: PS4_MOD, PM2_SUP, PM5_SUP, PP2, PP3

Ambry Genetics
Classification: Likely pathogenic for Familial thoracic aortic aneurysm and aortic dissection. Last evaluated: 2020-02-12. Review status: criteria provided, single submitter. Criteria: Ambry Variant Classification Scheme 2023. Collection method: clinical testing. Allele origin: germline.
Comment: The p.C1914Y variant (also known as c.5741G>A), located in coding exon 46 of the FBN1 gene, results from a G to A substitution at nucleotide position 5741. The cysteine at codon 1914 is replaced by tyrosine, an amino acid with highly dissimilar properties. The majority of FBN1 mutations identified to date have involved the substitution or generation of cysteine residues within cbEGF domains (Vollbrandt T et al. J Biol Chem. 2004;279(31):32924-32931). Based on internal structural assessment, this alteration eliminates a structurally critical disulfide in the structurally sensitive cbEGF domain #28. This amino acid position is highly conserved in available vertebrate species. In addition, this alteration is predicted to be deleterious by in silico analysis. Based on the majority of available evidence to date, this variant is likely to be pathogenic.